The following is an entry in ClinVar:

NM_024513.4(FYCO1):c.*1415G>A

Gene: FYCO1 (FYVE and coiled-coil domain autophagy adaptor 1; minus strand). Cytogenetic location: 3p21.31.
Variant type: single nucleotide variant.
Coding change: c.*1415G>A on transcript NM_024513.4 (MANE Select); 1415 bases downstream of the stop codon, G replaced by A.
Molecular consequence: 3 prime UTR variant.
Genome position (GRCh38, 1-based): chr3:45,920,350, C>T on the plus strand (G>A on the coding strand, the complement: FYCO1 is on the minus strand). VCF-style: chr3-45920350-C-T. GRCh37 (hg19) VCF-style: chr3-45961842-C-T.
Identifiers: ClinVar variation 345469 (VCV000345469.6), dbSNP rs1488374, ClinGen allele CA10618916.

ClinVar aggregate classification (germline): Benign. Review status: criteria provided, multiple submitters, no conflicts (2 of 4 stars). 2 submissions from 2 submitters: Benign (2). Last evaluated 2018-01-13.

Conditions:
Cataract 18 (CATC2). Also called: CATARACT 18, AUTOSOMAL RECESSIVE. Identifiers: Orphanet 91492, Orphanet 98991, Orphanet 98992, Orphanet 98995, MedGen C1864908, MONDO:0012395, OMIM 610019.

Allele frequency attached by ClinVar (database versions not stated): gnomAD exomes 0.85185; 1000 Genomes Project 0.92013; 1000 Genomes Project 30x 0.92083; TOPMed 0.84800.
gnomAD v4.1: 127,043 of 152,104 alleles (84%); highest among the groups gnomAD compares: East Asian, 100%; 53,657 homozygotes.

Submissions (2):

Illumina Laboratory Services, Illumina
Classification: Benign for Cataract 18. Last evaluated: 2018-01-13. Review status: criteria provided, single submitter. Criteria: ICSL Variant Classification Criteria 13 December 2019. Collection method: clinical testing. Allele origin: germline.
Comment: This variant was observed in the ICSL laboratory as part of a predisposition screen in an ostensibly healthy population. It had not been previously curated by ICSL or reported in the Human Gene Mutation Database (HGMD: prior to June 1st, 2018), and was therefore a candidate for classification through an automated scoring system. Utilizing variant allele frequency, disease prevalence and penetrance estimates, and inheritance mode, an automated score was calculated to assess if this variant is too frequent to cause the disease. Based on the score and internal cut-off values, a variant classified as benign is not then subjected to further curation. The score for this variant resulted in a classification of benign for this disease.

Breakthrough Genomics
Classification: Benign. Review status: criteria provided, single submitter. Criteria: ACMG Guidelines, 2015. Collection method: not provided. Allele origin: germline. Inheritance: Autosomal recessive inheritance. Affected: yes.